The following is an entry in ClinVar:

ClinVar aggregate classification (germline): Uncertain significance (1 of 4 stars; one submission).

gnomAD v4.1: 2 of 1,591,906 alleles (0.00013%); highest among the groups gnomAD compares: Non-Finnish European, 0.00017%; no homozygotes.

Submission:

Labcorp Genetics (formerly Invitae), Labcorp
Classification: Uncertain significance. Last evaluated: 2024-10-07. Review status: criteria provided, single submitter. Criteria: Invitae Variant Classification Sherloc (09022015). Collection method: clinical testing. Allele origin: germline.
Comment: This sequence change replaces proline, which is neutral and non-polar, with arginine, which is basic and polar, at codon 641 of the SETD1A protein (p.Pro641Arg). This variant is not present in population databases (gnomAD no frequency). This variant has not been reported in the literature in individuals affected with SETD1A-related conditions. An algorithm developed to predict the effect of missense changes on protein structure and function (PolyPhen-2) suggests that this variant is likely to be tolerated. In summary, the available evidence is currently insufficient to determine the role of this variant in disease. Therefore, it has been classified as a Variant of Uncertain Significance.

NM_014712.3(SETD1A):c.1922C>G (p.Pro641Arg)

Gene: SETD1A (SET domain containing 1A, histone lysine methyltransferase; plus strand). Cytogenetic location: 16p11.2.
Variant type: single nucleotide variant.
Coding change: c.1922C>G on transcript NM_014712.3 (MANE Select); coding-DNA position 1922, C replaced by G.
Protein change: p.Pro641Arg; replaces proline 641 with arginine.
Molecular consequence: missense variant.
Genome position (GRCh38, 1-based): chr16:30,965,803, C>G. VCF-style: chr16-30965803-C-G. GRCh37 (hg19) VCF-style: chr16-30977124-C-G.
Other names: short protein forms P641R.
Identifiers: ClinVar variation 3721737 (VCV003721737.2).
Genomic context (GRCh38, chr16:30,965,803, plus strand): 5'-TTCCTCTTGGTTATCCTCCCCACCAACCTGCCTACCTCCTCCCACCCAGACCTGATGGGC[C>G]GCCGCCCCCTGAGTACCCCCCACCTCCTCCACCACCCCCGCACATCTATGACTTTGTGAA-3'
Protein context (NP_055527.1, residues 631-651): AYLLPPRPDG[Pro641Arg]PPPEYPPPPP